The following is an entry in ClinVar:

NM_153816.6(SNX14):c.1303A>G (p.Thr435Ala)

Gene: SNX14 (sorting nexin 14; minus strand). Cytogenetic location: 6q14.3.
Variant type: single nucleotide variant.
Coding change: c.1303A>G on transcript NM_153816.6 (MANE Select); coding-DNA position 1303, A replaced by G.
Protein change: p.Thr435Ala; replaces threonine 435 with alanine.
Molecular consequence: missense variant. On other transcripts: non-coding transcript variant (6).
Genome position (GRCh38, 1-based): chr6:85,543,268, T>C on the plus strand (A>G on the coding strand, the complement: SNX14 is on the minus strand). VCF-style: chr6-85543268-T-C. GRCh37 (hg19) VCF-style: chr6-86252986-T-C.
Other names: c.1303A>G, p.Thr435Ala (NM_001297614.3, NM_001350540.2, NM_001350541.2); c.1147A>G, p.Thr383Ala (NM_001304479.2); c.1366A>G, p.Thr456Ala (NM_001350532.2); c.1300A>G, p.Thr434Ala (NM_001350533.2, NM_001350534.2, NM_001350535.2); c.1171A>G, p.Thr391Ala (NM_001350536.2, NM_020468.6); c.1168A>G, p.Thr390Ala (NM_001350537.2); c.1159A>G, p.Thr387Ala (NM_001350538.2); c.1144A>G, p.Thr382Ala (NM_001350539.2); and 7 more; short protein forms T287A, T390A, T456A, T50A, T335A, T338A, T382A, T391A.
Identifiers: ClinVar variation 1903594 (VCV001903594.6), dbSNP rs901855371, ClinGen allele CA142027386.
Genomic context (GRCh38, chr6:85,543,268, plus strand): 5'-TAAATACATTCTCCAAAAGGGAAAGAACATGTTCATATGCTTCAAAAAGACATCTCATAG[T>C]TTGAAGTTTCACAACATCTATGTATGGGCCTTCAGCAACTATTAAAAAAATTCTACTGTA-3'
Protein context (NP_722523.1, residues 425-445): GPYIDVVKLQ[Thr435Ala]MRCLFEAYEH

ClinVar aggregate classification (germline): Uncertain significance. Review status: criteria provided, multiple submitters, no conflicts (2 of 4 stars). 2 submissions from 2 submitters: Uncertain significance (2). Last evaluated 2025-08-25.

Conditions:
Inborn genetic diseases. Identifiers: MedGen C0950123, MeSH D030342.

Allele frequency attached by ClinVar (database versions not stated): gnomAD exomes 0.00001.
gnomAD v4.1: 4 of 1,597,062 alleles (0.00025%); highest among the groups gnomAD compares: Non-Finnish European, 0.00026%; no homozygotes.

Submissions (2):

Ambry Genetics
Classification: Uncertain significance for Inborn genetic diseases. Last evaluated: 2025-08-25. Review status: criteria provided, single submitter. Criteria: Ambry Variant Classification Scheme 2023. Collection method: clinical testing. Allele origin: germline.

Labcorp Genetics (formerly Invitae), Labcorp
Classification: Uncertain significance. Last evaluated: 2024-11-05. Review status: criteria provided, single submitter. Criteria: Invitae Variant Classification Sherloc (09022015). Collection method: clinical testing. Allele origin: germline.
Comment: This sequence change replaces threonine, which is neutral and polar, with alanine, which is neutral and non-polar, at codon 435 of the SNX14 protein (p.Thr435Ala). The frequency data for this variant in the population databases is considered unreliable, as metrics indicate poor data quality at this position in the gnomAD database. This variant has not been reported in the literature in individuals affected with SNX14-related conditions. ClinVar contains an entry for this variant (Variation ID: 1903594). Invitae Evidence Modeling of protein sequence and biophysical properties (such as structural, functional, and spatial information, amino acid conservation, physicochemical variation, residue mobility, and thermodynamic stability) indicates that this missense variant is not expected to disrupt SNX14 protein function with a negative predictive value of 80%. In summary, the available evidence is currently insufficient to determine the role of this variant in disease. Therefore, it has been classified as a Variant of Uncertain Significance.